The following is an entry in ClinVar:

ClinVar aggregate classification (germline): Uncertain significance (1 of 4 stars; one submission).

Conditions:
Immunodeficiency 39 (IMD39). Identifiers: Orphanet 574918, MedGen C4225358, MONDO:0014597, OMIM 616345.

Allele frequency attached by ClinVar (database versions not stated): gnomAD exomes 0.00001; TOPMed 0.00004; gnomAD 0.00005 and 0.00006.
gnomAD v4.1: 17 of 1,606,564 alleles (0.0011%); highest among the groups gnomAD compares: African/African-American, 0.019%; no homozygotes.

Submission:

Labcorp Genetics (formerly Invitae), Labcorp
Classification: Uncertain significance for Immunodeficiency 39. Last evaluated: 2022-06-20. Review status: criteria provided, single submitter. Criteria: Invitae Variant Classification Sherloc (09022015). Collection method: clinical testing. Allele origin: germline.
Comment: This sequence change replaces proline, which is neutral and non-polar, with threonine, which is neutral and polar, at codon 261 of the IRF7 protein (p.Pro261Thr). The frequency data for this variant in the population databases is considered unreliable, as metrics indicate poor data quality at this position in the gnomAD database. This variant has not been reported in the literature in individuals affected with IRF7-related conditions. ClinVar contains an entry for this variant (Variation ID: 658958). Algorithms developed to predict the effect of missense changes on protein structure and function are either unavailable or do not agree on the potential impact of this missense change (SIFT: "Deleterious"; PolyPhen-2: "Benign"; Align-GVGD: "Class C0"). In summary, the available evidence is currently insufficient to determine the role of this variant in disease. Therefore, it has been classified as a Variant of Uncertain Significance.

NM_001572.5(IRF7):c.742C>A (p.Pro248Thr)

Gene: IRF7 (interferon regulatory factor 7; minus strand). Cytogenetic location: 11p15.5.
Variant type: single nucleotide variant.
Coding change: c.742C>A on transcript NM_001572.5 (MANE Select); coding-DNA position 742, C replaced by A.
Protein change: p.Pro248Thr; replaces proline 248 with threonine.
Molecular consequence: missense variant. On other transcripts: intron variant (1).
Genome position (GRCh38, 1-based): chr11:613,975, G>T on the plus strand (C>A on the coding strand, the complement: IRF7 is on the minus strand). VCF-style: chr11-613975-G-T. GRCh37 (hg19) VCF-style: chr11-613975-G-T.
Other names: c.742C>A, p.Pro248Thr (LRG_1313t1); c.781C>A, p.Pro261Thr (NM_004031.4); c.680-110C>A (NM_004029.4); short protein forms P248T, P261T.
Identifiers: ClinVar variation 658958 (VCV000658958.10), dbSNP rs1034388681, ClinGen allele CA216911491.